The following is an entry in ClinVar:

ClinVar aggregate classification (germline): Uncertain significance (1 of 4 stars; one submission).

Submission:

GeneDx
Classification: Uncertain significance. Last evaluated: 2025-02-21. Review status: criteria provided, single submitter. Criteria: GeneDx Variant Classification Process June 2021. Collection method: clinical testing. Allele origin: germline. Affected: yes.
Comment: Not observed at significant frequency in large population cohorts (gnomAD); In-silico analysis is inconclusive as to whether the variant impacts protein structure/function. In the absence of functional studies, the actual effect of this sequence change is unknown; Has not been previously published as pathogenic or benign to our knowledge

NM_019066.5(MAGEL2):c.2686G>C (p.Glu896Gln)

Gene: MAGEL2 (MAGE family member L2; minus strand). Cytogenetic location: 15q11.2.
Variant type: single nucleotide variant.
Coding change: c.2686G>C on transcript NM_019066.5 (MANE Select); coding-DNA position 2686, G replaced by C.
Protein change: p.Glu896Gln; replaces glutamic acid 896 with glutamine.
Molecular consequence: missense variant.
Genome position (GRCh38, 1-based): chr15:23,645,057, C>G on the plus strand (G>C on the coding strand, the complement: MAGEL2 is on the minus strand). VCF-style: chr15-23645057-C-G. GRCh37 (hg19) VCF-style: chr15-23890204-C-G.
Other names: short protein forms E896Q.
Identifiers: ClinVar variation 4076836 (VCV004076836.1).